The following is an entry in ClinVar:

ClinVar aggregate classification (germline): Likely benign. Review status: criteria provided, multiple submitters, no conflicts (2 of 4 stars). 2 submissions from 2 submitters: Likely benign (2). Last evaluated 2025-10-03.

Conditions:
SLC25A46-related disorder. Also called: SLC25A46-related condition.
Neuropathy, hereditary motor and sensory, type 6B (HMSN6B). Also called: NEUROPATHY, HEREDITARY MOTOR AND SENSORY, TYPE VIB, WITH OPTIC ATROPHY; HMSN VIB; CHARCOT-MARIE-TOOTH DISEASE, TYPE 6B; Neuropathy, hereditary motor and sensory, type VIB. Identifiers: MedGen C4225302, MONDO:0014671, OMIM 616505.

Allele frequency attached by ClinVar (database versions not stated): gnomAD 0.00003 and 0.00004; gnomAD exomes 0.00003; TOPMed 0.00003; ExAC 0.00004; ESP Exome Variant Server 0.00015.

Submissions (2):

PreventionGenetics, part of Exact Sciences
Classification: Likely benign for SLC25A46-related condition. Last evaluated: 2025-10-03. Review status: criteria provided, single submitter. Criteria: ACMG Guidelines, 2015. Collection method: clinical testing. Allele origin: germline.
Comment: This variant is classified as likely benign based on ACMG/AMP sequence variant interpretation guidelines (Richards et al. 2015 PMID: 25741868, with internal and published modifications).

Labcorp Genetics (formerly Invitae), Labcorp
Classification: Likely benign for Neuropathy, hereditary motor and sensory, type 6B. Last evaluated: 2025-05-27. Review status: criteria provided, single submitter. Criteria: Invitae Variant Classification Sherloc (09022015). Collection method: clinical testing. Allele origin: germline.

NM_138773.4(SLC25A46):c.144T>C (p.Asp48=)

Gene: SLC25A46 (solute carrier family 25 member 46; plus strand). Cytogenetic location: 5q22.1.
Variant type: single nucleotide variant.
Coding change: c.144T>C on transcript NM_138773.4 (MANE Select); coding-DNA position 144, T replaced by C.
Protein change: p.Asp48=; no amino-acid change (aspartic acid 48 retained).
Molecular consequence: synonymous variant. On other transcripts: non-coding transcript variant (1), intron variant (1).
Genome position (GRCh38, 1-based): chr5:110,739,263, T>C. VCF-style: chr5-110739263-T-C. GRCh37 (hg19) VCF-style: chr5-110074964-T-C.
Other names: c.144T>C, p.Asp48= (NM_001303249.3); c.10+1016T>C (NM_001303250.3); c.144T>C (NM_138773.3).
Identifiers: ClinVar variation 730165 (VCV000730165.10), dbSNP rs139629514, ClinGen allele CA3364478.